The following is an entry in ClinVar:

ClinVar aggregate classification (germline): Likely benign (1 of 4 stars; one submission).

gnomAD v4.1: 145 of 1,614,112 alleles (0.009%); highest among the groups gnomAD compares: East Asian, 0.21%; 1 homozygote.

Submission:

CeGaT Center for Human Genetics Tuebingen
Classification: Likely benign. Last evaluated: 2026-04-01. Review status: criteria provided, single submitter. Criteria: CeGaT Center For Human Genetics Tuebingen Variant Classification Criteria Version 2. Collection method: clinical testing. Allele origin: germline. Affected: yes. Observed: 1 variant allele.
Comment: EVI2B: BP4, BP7; NF1: BS1

NM_006495.4(EVI2B):c.1230T>C (p.Phe410=)

Genes: EVI2B (ecotropic viral integration site 2B; minus strand), NF1 (neurofibromin 1; plus strand). Cytogenetic location: 17q11.2.
Variant type: single nucleotide variant.
Coding change: c.1230T>C on transcript NM_006495.4 (MANE Select); coding-DNA position 1230, T replaced by C.
Protein change: p.Phe410=; no amino-acid change (phenylalanine 410 retained).
Molecular consequence: synonymous variant. On other transcripts: intron variant (2).
Genome position (GRCh38, 1-based): chr17:31,304,380, A>G on the plus strand (T>C on the coding strand, the complement: EVI2B is on the minus strand). VCF-style: chr17-31304380-A-G. GRCh37 (hg19) VCF-style: chr17-29631398-A-G.
Other names: c.4836-21440A>G (NM_001042492.3); c.4773-21440A>G (NM_000267.4).
Identifiers: ClinVar variation 4873368 (VCV004873368.2).
Genomic context (GRCh38, chr17:31,304,380, plus strand): 5'-GGGAGGAATAGAGAACTCCTGACACTGGATCTCAAGGTTGGAATCTTCTTGGTTTTTCAT[A>G]AAATCTACTGGTGGCAGGGGCAAGTTAAGTGAGTCAAGCGGTGGAAATGATTGTATTATC-3'
Protein context (NP_006486.3, residues 400-420): SLNLPLPPVD[Phe410=]MKNQEDSNLE